The following is an entry in ClinVar:

ClinVar aggregate classification (germline): Uncertain significance. Review status: criteria provided, multiple submitters, no conflicts (2 of 4 stars). 5 submissions from 5 submitters: Uncertain significance (4). 1 of the submissions does not count toward it. Last evaluated 2025-09-10.

Conditions:
Wilson disease (WND). Also called: Wilson's disease. Identifiers: Orphanet 905, MedGen C0019202, MONDO:0010200, OMIM 277900. Disease mechanism: loss of function.

Allele frequency attached by ClinVar (database versions not stated): gnomAD 0.00001 and 0.00002; gnomAD exomes 0.00002 and 0.00004; TOPMed 0.00002; ExAC 0.00003; 1000 Genomes Project 30x 0.00016; 1000 Genomes Project 0.00020.
gnomAD v4.1: 39 of 1,614,000 alleles (0.0024%); highest among the groups gnomAD compares: Admixed American, 0.0033%; no homozygotes.

Submissions (5):

Color Diagnostics, LLC DBA Color Health
Classification: Uncertain significance for Wilson disease. Last evaluated: 2025-09-10. Review status: criteria provided, single submitter. Criteria: ACMG Guidelines, 2015. Collection method: clinical testing. Allele origin: germline.
Comment: This missense variant replaces arginine with glutamine at codon 919 of the ATP7B protein. Computational prediction suggests that this variant may not impact protein structure and function. To our knowledge, functional studies have not been reported for this variant. This variant has not been reported in individuals affected with Wilson disease in the literature. This variant has been identified in 11/280224 chromosomes in the general population by the Genome Aggregation Database (gnomAD). A different variant affecting the same codon, c.2755C>G (p.Arg919Gly), is considered to be disease-causing (ClinVar Variation ID: 3857), suggesting that Arg at this position is important for protein function. The available evidence is insufficient to determine the role of this variant in disease conclusively. Therefore, this variant is classified as a Variant of Uncertain Significance.

Fulgent Genetics
Classification: Uncertain significance for Wilson disease. Last evaluated: 2024-04-23. Review status: criteria provided, single submitter. Criteria: ACMG Guidelines, 2015. Collection method: clinical testing. Allele origin: germline.

All of Us Research Program, National Institutes of Health
Classification: Uncertain significance for Wilson disease. Last evaluated: 2024-02-22. Review status: criteria provided, single submitter. Criteria: ACMG Guidelines, 2015. Collection method: clinical testing. Allele origin: germline. Inheritance: Autosomal recessive inheritance. Observed: 5 variant alleles, 5 heterozygotes.
Comment: This missense variant replaces arginine with glutamine at codon 919 of the ATP7B protein. Computational prediction suggests that this variant may not impact protein structure and function (internally defined REVEL score threshold <= 0.5, PMID: 27666373). To our knowledge, functional studies have not been reported for this variant. This variant has not been reported in individuals affected with Wilson disease in the literature. This variant has been identified in 11/280224 chromosomes in the general population by the Genome Aggregation Database (gnomAD). A different variant affecting the same codon, c.2755C>G (p.Arg919Gly), is considered to be disease-causing (ClinVar variation ID: 3857), suggesting that Arg at this position is important for protein function. The available evidence is insufficient to determine the role of this variant in disease conclusively. Therefore, this variant is classified as a Variant of Uncertain Significance.

This study involves interpretation of variants in research participants for the purpose of population health screening. Participant phenotype was not available at the time of variant classification. Additional details can be found in publication PMID: 35346344, PMCID: PMC8962531

Labcorp Genetics (formerly Invitae), Labcorp
Classification: Uncertain significance for Wilson disease. Last evaluated: 2022-02-06. Review status: criteria provided, single submitter. Criteria: Invitae Variant Classification Sherloc (09022015). Collection method: clinical testing. Allele origin: germline.
Comment: This sequence change replaces arginine, which is basic and polar, with glutamine, which is neutral and polar, at codon 919 of the ATP7B protein (p.Arg919Gln). This variant is present in population databases (rs574579593, gnomAD 0.009%). This variant has not been reported in the literature in individuals affected with ATP7B-related conditions. ClinVar contains an entry for this variant (Variation ID: 971794). Advanced modeling of protein sequence and biophysical properties (such as structural, functional, and spatial information, amino acid conservation, physicochemical variation, residue mobility, and thermodynamic stability) performed at Invitae indicates that this missense variant is not expected to disrupt ATP7B protein function. This variant disrupts the p.Arg919 amino acid residue in ATP7B. Other variant(s) that disrupt this residue have been determined to be pathogenic (PMID: 11405812, 12376745, 17680703, 21796144, 23219664, 25089800, 26032686). This suggests that this residue is clinically significant, and that variants that disrupt this residue are likely to be disease-causing. In summary, the available evidence is currently insufficient to determine the role of this variant in disease. Therefore, it has been classified as a Variant of Uncertain Significance.

Natera, Inc.
Classification: Uncertain significance for Wilson disease. Last evaluated: 2020-08-13. Review status: no assertion criteria provided. Collection method: clinical testing. Allele origin: germline. Not counted in ClinVar's aggregate classification.

Literature cited by the submitters: PubMed 11405812 (cited by Labcorp Genetics (formerly Invitae), Labcorp); PubMed 12376745 (cited by Labcorp Genetics (formerly Invitae), Labcorp); PubMed 17680703 (cited by Labcorp Genetics (formerly Invitae), Labcorp); PubMed 21796144 (cited by Labcorp Genetics (formerly Invitae), Labcorp); PubMed 23219664 (cited by Labcorp Genetics (formerly Invitae), Labcorp); PubMed 25089800 (cited by Labcorp Genetics (formerly Invitae), Labcorp); PubMed 26032686 (cited by Labcorp Genetics (formerly Invitae), Labcorp).

NM_000053.4(ATP7B):c.2756G>A (p.Arg919Gln)

Gene: ATP7B (ATPase copper transporting beta; minus strand). Cytogenetic location: 13q14.3.
Variant type: single nucleotide variant.
Coding change: c.2756G>A on transcript NM_000053.4 (MANE Select); coding-DNA position 2756, G replaced by A.
Protein change: p.Arg919Gln; replaces arginine 919 with glutamine.
Molecular consequence: missense variant. On other transcripts: intron variant (1).
Genome position (GRCh38, 1-based): chr13:51,949,771, C>T on the plus strand (G>A on the coding strand, the complement: ATP7B is on the minus strand). VCF-style: chr13-51949771-C-T. GRCh37 (hg19) VCF-style: chr13-52523907-C-T.
Other names: c.2423G>A, p.Arg808Gln (NM_001243182.2); c.2522G>A, p.Arg841Gln (NM_001330578.2); c.2504G>A, p.Arg835Gln (NM_001330579.2); c.2244+236G>A (NM_001005918.3); short protein forms R808Q, R841Q, R835Q, R919Q.
Identifiers: ClinVar variation 971794 (VCV000971794.14), dbSNP rs574579593, ClinGen allele CA6988914.